The following is an entry in ClinVar:

ClinVar aggregate classification (germline): Uncertain significance (1 of 4 stars; one submission).

Submission:

GeneDx
Classification: Uncertain significance. Last evaluated: 2020-01-08. Review status: criteria provided, single submitter. Criteria: GeneDx Variant Classification Process June 2021. Collection method: clinical testing. Allele origin: germline. Affected: yes.
Comment: Not observed in large population cohorts (Lek et al., 2016); In silico analysis, which includes protein predictors and evolutionary conservation, supports that this variant does not alter protein structure/function; Has not been previously published as pathogenic or benign to our knowledge

NM_004187.5(KDM5C):c.2644G>A (p.Ala882Thr)

Gene: KDM5C (lysine demethylase 5C; minus strand). Cytogenetic location: Xp11.22.
Variant type: single nucleotide variant.
Coding change: c.2644G>A on transcript NM_004187.5 (MANE Select); coding-DNA position 2644, G replaced by A.
Protein change: p.Ala882Thr; replaces alanine 882 with threonine.
Molecular consequence: missense variant. On other transcripts: non-coding transcript variant (3).
Genome position (GRCh38, 1-based): chrX:53,197,023, C>T on the plus strand (G>A on the coding strand, the complement: KDM5C is on the minus strand). VCF-style: chrX-53197023-C-T. GRCh37 (hg19) VCF-style: chrX-53226205-C-T.
Other names: c.2443G>A, p.Ala815Thr (NM_001146702.2); c.2641G>A, p.Ala881Thr (NM_001282622.3, NM_001353979.2, NM_001353982.2); c.2644G>A, p.Ala882Thr (NM_001353978.3, NM_001353981.2, NM_001353984.2); short protein forms A815T, A881T, A882T.
Identifiers: ClinVar variation 1303769 (VCV001303769.2), dbSNP rs2146840036, ClinGen allele CA413113943.